The following is an entry in ClinVar:

NM_005996.4(TBX3):c.216C>T (p.Ala72=)

Genes: TBX3 (T-box transcription factor 3; minus strand), TBX3-AS1 (TBX3 antisense RNA 1; plus strand). Cytogenetic location: 12q24.21.
Variant type: single nucleotide variant.
Coding change: c.216C>T on transcript NM_005996.4 (MANE Select); coding-DNA position 216, C replaced by T.
Protein change: p.Ala72=; no amino-acid change (alanine 72 retained).
Molecular consequence: synonymous variant.
Genome position (GRCh38, 1-based): chr12:114,682,985, G>A on the plus strand (C>T on the coding strand, the complement: TBX3 is on the minus strand). VCF-style: chr12-114682985-G-A. GRCh37 (hg19) VCF-style: chr12-115120790-G-A.
Other names: c.216C>T (NM_016569.3); c.216C>T, p.Ala72= (NM_016569.4).
Identifiers: ClinVar variation 707158 (VCV000707158.10), dbSNP rs763331884, ClinGen allele CA6810246.
Genomic context (GRCh38, chr12:114,682,985, plus strand): 5'-GGTCTTCAAAGGCCTCAGATGCGCCTGGGGCCCCAGGGAGGAGAACGGGATGCCGGTCTC[G>A]GCCGCCCCCACCAATTGATCCATGATCGGCTTGGCCAGGGCGCCCGGCAGCGAGAGCGCC-3'
Protein context (NP_005987.3, residues 62-82): KPIMDQLVGA[Ala72=]ETGIPFSSLG

ClinVar aggregate classification (germline): Likely benign. Review status: criteria provided, single submitter (1 of 4 stars). 2 submissions from 2 submitters: Likely benign (1). 1 of the submissions does not count toward it. Last evaluated 2026-01-21.

Conditions:
Ulnar-mammary syndrome (UMS). Also called: PALLISTER ULNAR-MAMMARY SYNDROME; SCHINZEL SYNDROME; Ulnar-mammary syndrome of Pallister. Identifiers: Orphanet 3138, MedGen C1866994, MONDO:0008411, OMIM 181450.
TBX3-related disorder. Also called: TBX3-related condition.

Allele frequency attached by ClinVar (database versions not stated): gnomAD 0.00003 and 0.00004; ExAC 0.00009; TOPMed 0.00010; gnomAD exomes 0.00013.
gnomAD v4.1: 44 of 1,613,920 alleles (0.0027%); highest among the groups gnomAD compares: Admixed American, 0.067%; no homozygotes.

Submissions (2):

Labcorp Genetics (formerly Invitae), Labcorp
Classification: Likely benign for Ulnar-mammary syndrome. Last evaluated: 2026-01-21. Review status: criteria provided, single submitter. Criteria: Invitae Variant Classification Sherloc (09022015). Collection method: clinical testing. Allele origin: germline.

PreventionGenetics, part of Exact Sciences
Classification: Likely benign for TBX3-related condition. Last evaluated: 2021-08-11. Review status: no assertion criteria provided. Collection method: clinical testing. Allele origin: germline. Not counted in ClinVar's aggregate classification.
Comment: This variant is classified as likely benign based on ACMG/AMP sequence variant interpretation guidelines (Richards et al. 2015 PMID: 25741868, with internal and published modifications).